The following is an entry in ClinVar:

NM_201384.3(PLEC):c.5062G>C (p.Glu1688Gln)

Gene: PLEC (plectin; minus strand). Cytogenetic location: 8q24.3.
Variant type: single nucleotide variant.
Coding change: c.5062G>C on transcript NM_201384.3 (MANE Select); coding-DNA position 5062, G replaced by C.
Protein change: p.Glu1688Gln; replaces glutamic acid 1688 with glutamine.
Molecular consequence: missense variant. On other transcripts: intron variant (1).
Genome position (GRCh38, 1-based): chr8:143,924,867, C>G on the plus strand (G>C on the coding strand, the complement: PLEC is on the minus strand). VCF-style: chr8-143924867-C-G. GRCh37 (hg19) VCF-style: chr8-144999035-C-G.
Other names: c.5143G>C, p.Glu1715Gln (NM_000445.5); c.5020G>C, p.Glu1674Gln (NM_201378.4); c.4996G>C, p.Glu1666Gln (NM_201379.3); c.5473G>C, p.Glu1825Gln (NM_201380.4); c.4966G>C, p.Glu1656Gln (NM_201381.3); c.5062G>C, p.Glu1688Gln (NM_201382.4); c.5074G>C, p.Glu1692Gln (NM_201383.3); c.4125+1917G>C (NM_001410941.1); short protein forms E1666Q, E1692Q, E1825Q, E1688Q, E1715Q, E1656Q, E1674Q.
Identifiers: ClinVar variation 2940398 (VCV002940398.3), dbSNP rs2537975604, ClinGen allele CA372550028.

ClinVar aggregate classification (germline): Uncertain significance (1 of 4 stars; one submission).

Conditions:
Epidermolysis bullosa simplex with nail dystrophy (EBS5D). Identifiers: MedGen C4225309, MONDO:0014661, OMIM 616487.
Epidermolysis bullosa simplex, Ogna type (EBS5A). Also called: Pidermolysis bullosa simplex 5A, Ogna type; EPIDERMOLYSIS BULLOSA SIMPLEX 5A, OGNA TYPE. Identifiers: Orphanet 79401, MedGen C0432317, MONDO:0007555, OMIM 131950.
Autosomal recessive limb-girdle muscular dystrophy type 2Q (LGMDR17). Also called: MUSCULAR DYSTROPHY, LIMB-GIRDLE, AUTOSOMAL RECESSIVE 17. Identifiers: Orphanet 254361, MedGen C3150989, MONDO:0013390, OMIM 613723.
Epidermolysis bullosa simplex 5B, with muscular dystrophy (EBS5B). Also called: EPIDERMOLYSIS BULLOSA SIMPLEX AND LIMB-GIRDLE MUSCULAR DYSTROPHY; Epidermolysis bullosa simplex with muscular dystrophy. Identifiers: Orphanet 257, MedGen C2931072, MONDO:0009181, OMIM 226670.
Epidermolysis bullosa simplex 5C, with pyloric atresia (EBS5C). Also called: PLEC-Related Epidermolysis Bullosa with Pyloric Atresia; Epidermolysis bullosa simplex with pyloric atresia; PLEC1-Related Epidermolysis Bullosa with Pyloric Atresia. Identifiers: Orphanet 158684, MedGen C2677349, MONDO:0012807, OMIM 612138.

Submission:

Labcorp Genetics (formerly Invitae), Labcorp
Classification: Uncertain significance for Autosomal recessive limb-girdle muscular dystrophy type 2Q; Epidermolysis bullosa simplex, Ogna type; Epidermolysis bullosa simplex with nail dystrophy; Epidermolysis bullosa simplex 5C, with pyloric atresia; Epidermolysis bullosa simplex 5B, with muscular dystrophy. Last evaluated: 2023-03-01. Review status: criteria provided, single submitter. Criteria: Invitae Variant Classification Sherloc (09022015). Collection method: clinical testing. Allele origin: germline.
Comment: In summary, the available evidence is currently insufficient to determine the role of this variant in disease. Therefore, it has been classified as a Variant of Uncertain Significance. This sequence change replaces glutamic acid, which is acidic and polar, with glutamine, which is neutral and polar, at codon 1715 of the PLEC protein (p.Glu1715Gln). This variant is not present in population databases (gnomAD no frequency). Advanced modeling of protein sequence and biophysical properties (such as structural, functional, and spatial information, amino acid conservation, physicochemical variation, residue mobility, and thermodynamic stability) has been performed at Invitae for this missense variant, however the output from this modeling did not meet the statistical confidence thresholds required to predict the impact of this variant on PLEC protein function. This variant has not been reported in the literature in individuals affected with PLEC-related conditions.